The following is an entry in ClinVar:

ClinVar aggregate classification (germline): Uncertain significance (1 of 4 stars; one submission).

Conditions:
Familial focal epilepsy with variable foci (FPEVF). Identifiers: Orphanet 98820, MedGen C1858477, MONDO:0020310.

Allele frequency attached by ClinVar (database versions not stated): gnomAD exomes below 0.00001; gnomAD 0.00001.
gnomAD v4.1: 4 of 1,614,028 alleles (0.00025%); highest among the groups gnomAD compares: Non-Finnish European, 0.00034%; no homozygotes.

Submission:

Labcorp Genetics (formerly Invitae), Labcorp
Classification: Uncertain significance for Familial focal epilepsy with variable foci. Last evaluated: 2022-02-08. Review status: criteria provided, single submitter. Criteria: Invitae Variant Classification Sherloc (09022015). Collection method: clinical testing. Allele origin: germline.
Comment: This sequence change replaces glycine, which is neutral and non-polar, with serine, which is neutral and polar, at codon 438 of the DEPDC5 protein (p.Gly438Ser). This variant is not present in population databases (gnomAD no frequency). This variant has not been reported in the literature in individuals affected with DEPDC5-related conditions. Algorithms developed to predict the effect of missense changes on protein structure and function are either unavailable or do not agree on the potential impact of this missense change (SIFT: "Tolerated"; PolyPhen-2: "Not Available"; Align-GVGD: "Class C0"). In summary, the available evidence is currently insufficient to determine the role of this variant in disease. Therefore, it has been classified as a Variant of Uncertain Significance.

NM_001242896.3(DEPDC5):c.1312G>A (p.Gly438Ser)

Gene: DEPDC5 (DEP domain containing 5, GATOR1 subcomplex subunit; plus strand). Cytogenetic location: 22q12.3.
Variant type: single nucleotide variant.
Coding change: c.1312G>A on transcript NM_001242896.3 (MANE Select); coding-DNA position 1312, G replaced by A.
Protein change: p.Gly438Ser; replaces glycine 438 with serine.
Molecular consequence: missense variant. On other transcripts: non-coding transcript variant (5).
Genome position (GRCh38, 1-based): chr22:31,809,635, G>A. VCF-style: chr22-31809635-G-A. GRCh37 (hg19) VCF-style: chr22-32205621-G-A.
Other names: c.1312G>A, p.Gly438Ser (NM_001007188.4, NM_001136029.4, NM_001242897.2 and 7 more transcripts); c.1228G>A, p.Gly410Ser (NM_001369901.1, NM_001369902.1); short protein forms G410S, G438S.
Identifiers: ClinVar variation 2172698 (VCV002172698.4), dbSNP rs2148698859, ClinGen allele CA411276532.